The following is an entry in ClinVar:

NM_001014987.2(LAT):c.566G>T (p.Arg189Leu)

Gene: LAT (linker for activation of T cells; plus strand). Cytogenetic location: 16p11.2.
Variant type: single nucleotide variant.
Coding change: c.566G>T on transcript NM_001014987.2 (MANE Select); coding-DNA position 566, G replaced by T.
Protein change: p.Arg189Leu; replaces arginine 189 with leucine.
Molecular consequence: missense variant.
Genome position (GRCh38, 1-based): chr16:28,989,783, G>T. VCF-style: chr16-28989783-G-T. GRCh37 (hg19) VCF-style: chr16-29001104-G-T.
Other names: c.563G>T, p.Arg188Leu (NM_001014988.2); c.674G>T, p.Arg225Leu (NM_001014989.2); c.653G>T, p.Arg218Leu (NM_014387.4); short protein forms R188L, R189L, R218L, R225L.
Identifiers: ClinVar variation 1353629 (VCV001353629.8), dbSNP rs1313284713, ClinGen allele CA395443695.

ClinVar aggregate classification (germline): Uncertain significance (1 of 4 stars; one submission).

gnomAD v4.1: 6 of 1,614,008 alleles (0.00037%); highest among the groups gnomAD compares: African/African-American, 0.0027%; no homozygotes.

Submission:

Labcorp Genetics (formerly Invitae), Labcorp
Classification: Uncertain significance. Last evaluated: 2022-08-15. Review status: criteria provided, single submitter. Criteria: Invitae Variant Classification Sherloc (09022015). Collection method: clinical testing. Allele origin: germline.
Comment: In summary, the available evidence is currently insufficient to determine the role of this variant in disease. Therefore, it has been classified as a Variant of Uncertain Significance. Algorithms developed to predict the effect of missense changes on protein structure and function output the following: SIFT: "Deleterious"; PolyPhen-2: "Benign"; Align-GVGD: "Class C65". The leucine amino acid residue is found in multiple mammalian species, which suggests that this missense change does not adversely affect protein function. ClinVar contains an entry for this variant (Variation ID: 1353629). This variant has not been reported in the literature in individuals affected with LAT-related conditions. The frequency data for this variant in the population databases is considered unreliable, as metrics indicate poor data quality at this position in the gnomAD database. This sequence change replaces arginine, which is basic and polar, with leucine, which is neutral and non-polar, at codon 189 of the LAT protein (p.Arg189Leu).